The following is an entry in ClinVar:

ClinVar aggregate classification (germline): Pathogenic (1 of 4 stars; one submission).

Submission:

Labcorp Genetics (formerly Invitae), Labcorp
Classification: Pathogenic. Last evaluated: 2024-12-03. Review status: criteria provided, single submitter. Criteria: Invitae Variant Classification Sherloc (09022015). Collection method: clinical testing. Allele origin: germline.
Comment: This sequence change creates a premature translational stop signal (p.Trp532*) in the ASNS gene. While this is not anticipated to result in nonsense mediated decay, it is expected to disrupt the last 30 amino acid(s) of the ASNS protein. This variant is not present in population databases (gnomAD no frequency). This variant has not been reported in the literature in individuals affected with ASNS-related conditions. This variant disrupts a region of the ASNS protein in which other variant(s) (p.Arg550His) have been determined to be pathogenic (PMID: 29405484, 32255274). This suggests that this is a clinically significant region of the protein, and that variants that disrupt it are likely to be disease-causing. For these reasons, this variant has been classified as Pathogenic.

Literature cited by the submitters: PubMed 29405484; PubMed 32255274.

NM_001673.5(ASNS):c.1595G>A (p.Trp532Ter)

Genes: ASNS (asparagine synthetase (glutamine-hydrolyzing); minus strand), CZ1P-ASNS (CZ1P-ASNS readthrough; minus strand). Cytogenetic location: 7q21.3.
Variant type: single nucleotide variant.
Coding change: c.1595G>A on transcript NM_001673.5 (MANE Select); coding-DNA position 1595, G replaced by A.
Protein change: p.Trp532Ter; replaces tryptophan 532 with a stop codon.
Molecular consequence: nonsense. On other transcripts: non-coding transcript variant (1).
Genome position (GRCh38, 1-based): chr7:97,852,350, C>T on the plus strand (G>A on the coding strand, the complement: ASNS is on the minus strand). VCF-style: chr7-97852350-C-T. GRCh37 (hg19) VCF-style: chr7-97481662-C-T.
Other names: c.1532G>A, p.Trp511Ter (NM_001178075.2); c.1346G>A, p.Trp449Ter (NM_001178076.2, NM_001178077.1); c.1595G>A, p.Trp532Ter (NM_001352496.2, NM_133436.3, NM_183356.4); short protein forms W449*, W511*, W532*.
Identifiers: ClinVar variation 3613919 (VCV003613919.2).